The following is an entry in ClinVar:

ClinVar aggregate classification (germline): Uncertain significance (1 of 4 stars; one submission).

gnomAD v4.1: 1 of 1,614,124 alleles (0.000062%); no homozygotes.

Submission:

Labcorp Genetics (formerly Invitae), Labcorp
Classification: Uncertain significance. Last evaluated: 2026-01-13. Review status: criteria provided, single submitter. Criteria: Invitae Variant Classification Sherloc (09022015). Collection method: clinical testing. Allele origin: germline.
Comment: This sequence change replaces isoleucine, which is neutral and non-polar, with asparagine, which is neutral and polar, at codon 677 of the ANKZF1 protein (p.Ile677Asn). This variant is not present in population databases (gnomAD no frequency). This variant has not been reported in the literature in individuals affected with ANKZF1-related conditions. An algorithm developed to predict the effect of missense changes on protein structure and function (PolyPhen-2) suggests that this variant is likely to be tolerated. In summary, the available evidence is currently insufficient to determine the role of this variant in disease. Therefore, it has been classified as a Variant of Uncertain Significance.

NM_018089.3(ANKZF1):c.2030T>A (p.Ile677Asn)

Gene: ANKZF1 (ankyrin repeat and zinc finger peptidyl tRNA hydrolase 1; plus strand). Cytogenetic location: 2q35.
Variant type: single nucleotide variant.
Coding change: c.2030T>A on transcript NM_018089.3 (MANE Select); coding-DNA position 2030, T replaced by A.
Protein change: p.Ile677Asn; replaces isoleucine 677 with asparagine.
Molecular consequence: missense variant.
Genome position (GRCh38, 1-based): chr2:219,236,068, T>A. VCF-style: chr2-219236068-T-A. GRCh37 (hg19) VCF-style: chr2-220100790-T-A.
Other names: c.2030T>A, p.Ile677Asn (NM_001042410.2); c.1400T>A, p.Ile467Asn (NM_001282792.2); short protein forms I677N, I467N.
Identifiers: ClinVar variation 4735327 (VCV004735327.1).